The following is an entry in ClinVar:

NM_001365951.3(KIF1B):c.1346G>T (p.Ser449Ile)

Gene: KIF1B (kinesin family member 1B; plus strand). Cytogenetic location: 1p36.22.
Variant type: single nucleotide variant.
Coding change: c.1346G>T on transcript NM_001365951.3 (MANE Select); coding-DNA position 1346, G replaced by T.
Protein change: p.Ser449Ile; replaces serine 449 with isoleucine.
Molecular consequence: missense variant.
Genome position (GRCh38, 1-based): chr1:10,282,445, G>T. VCF-style: chr1-10282445-G-T. GRCh37 (hg19) VCF-style: chr1-10342503-G-T.
Other names: c.1346G>T, p.Ser449Ile (NM_001365952.1); c.1208G>T, p.Ser403Ile (NM_001365953.1, NM_015074.3, NM_183416.4); short protein forms S403I, S449I.
Identifiers: ClinVar variation 1933413 (VCV001933413.5), dbSNP rs776678008, ClinGen allele CA338336314.

ClinVar aggregate classification (germline): Uncertain significance (1 of 4 stars; one submission).

Conditions:
Charcot-Marie-Tooth disease type 2. Also called: Charcot-Marie-Tooth type 2. Identifiers: Orphanet 64746, MedGen C0270914, MONDO:0018993.

Submission:

Labcorp Genetics (formerly Invitae), Labcorp
Classification: Uncertain significance for Charcot-Marie-Tooth disease type 2. Last evaluated: 2022-03-12. Review status: criteria provided, single submitter. Criteria: Invitae Variant Classification Sherloc (09022015). Collection method: clinical testing. Allele origin: germline.
Comment: This variant is not present in population databases (gnomAD no frequency). In summary, the available evidence is currently insufficient to determine the role of this variant in disease. Therefore, it has been classified as a Variant of Uncertain Significance. Algorithms developed to predict the effect of sequence changes on RNA splicing suggest that this variant may disrupt the consensus splice site. Algorithms developed to predict the effect of missense changes on protein structure and function (SIFT, PolyPhen-2, Align-GVGD) all suggest that this variant is likely to be tolerated. This variant has not been reported in the literature in individuals affected with KIF1B-related conditions. This sequence change replaces serine, which is neutral and polar, with isoleucine, which is neutral and non-polar, at codon 403 of the KIF1B protein (p.Ser403Ile).